The following is an entry in ClinVar:

ClinVar aggregate classification (germline): Benign. Review status: criteria provided, multiple submitters, no conflicts (2 of 4 stars). 2 submissions from 2 submitters: Benign (2). Last evaluated 2018-01-13.

Conditions:
Hereditary spastic paraplegia 33. Also called: SPASTIC PARAPLEGIA 33, AUTOSOMAL DOMINANT. Identifiers: MedGen C1853251, MONDO:0012448, OMIM 610244.

Allele frequency attached by ClinVar (database versions not stated): gnomAD exomes 0.00096; 1000 Genomes Project 0.00779; gnomAD 0.00866 and 0.00929; 1000 Genomes Project 30x 0.00874; TOPMed 0.00942.

Submissions (2):

Illumina Laboratory Services, Illumina
Classification: Benign for Hereditary spastic paraplegia 33. Last evaluated: 2018-01-13. Review status: criteria provided, single submitter. Criteria: ICSL Variant Classification Criteria 13 December 2019. Collection method: clinical testing. Allele origin: germline.
Comment: This variant was observed in the ICSL laboratory as part of a predisposition screen in an ostensibly healthy population. It had not been previously curated by ICSL or reported in the Human Gene Mutation Database (HGMD: prior to June 1st, 2018), and was therefore a candidate for classification through an automated scoring system. Utilizing variant allele frequency, disease prevalence and penetrance estimates, and inheritance mode, an automated score was calculated to assess if this variant is too frequent to cause the disease. Based on the score and internal cut-off values, a variant classified as benign is not then subjected to further curation. The score for this variant resulted in a classification of benign for this disease.

Breakthrough Genomics
Classification: Benign. Review status: criteria provided, single submitter. Criteria: ACMG Guidelines, 2015. Collection method: not provided. Allele origin: germline. Inheritance: Autosomal dominant inheritance. Affected: yes.

NM_001385875.1(ZFYVE27):c.*132C>T

Gene: ZFYVE27 (zinc finger FYVE-type containing 27; plus strand). Cytogenetic location: 10q24.2.
Variant type: single nucleotide variant.
Coding change: c.*132C>T on transcript NM_001385875.1 (MANE Select); 132 bases downstream of the stop codon, C replaced by T.
Molecular consequence: 3 prime UTR variant. On other transcripts: non-coding transcript variant (17).
Genome position (GRCh38, 1-based): chr10:97,759,432, C>T. VCF-style: chr10-97759432-C-T. GRCh37 (hg19) VCF-style: chr10-99519189-C-T.
Other names: c.*132C>T (NM_001002261.4, NM_001002262.4, NM_001174119.2 and 39 more transcripts).
Identifiers: ClinVar variation 301842 (VCV000301842.6), dbSNP rs115982037, ClinGen allele CA10629569.
Genomic context (GRCh38, chr10:97,759,432, plus strand): 5'-TGGCCCACTGTGGTGTGTGCTGGGCAAATGTGGCCTGAATGCTAGGTAGGCTTCCCCTTC[C>T]TTCCTCACTCTCTCCAGCTGGATTCTGGAGCTGTTCTCCATCCATGAGAGTGGCTGGCAA-3'